The following is an entry in ClinVar:

ClinVar aggregate classification (germline): Uncertain significance (1 of 4 stars; one submission).

Conditions:
Hereditary cancer-predisposing syndrome. Also called: Hereditary Cancer Syndrome; Neoplastic Syndromes, Hereditary; Tumor predisposition; Hereditary neoplastic syndrome. Identifiers: Orphanet 140162, MedGen C0027672, MeSH D009386, MONDO:0015356.

Submission:

Ambry Genetics
Classification: Uncertain significance for Hereditary cancer-predisposing syndrome. Last evaluated: 2024-09-26. Review status: criteria provided, single submitter. Criteria: Ambry Variant Classification Scheme 2023. Collection method: clinical testing. Allele origin: germline.
Comment: The p.K297Q variant (also known as c.889A>C), located in coding exon 9 of the RAD51D gene, results from an A to C substitution at nucleotide position 889. The lysine at codon 297 is replaced by glutamine, an amino acid with similar properties. This amino acid position is highly conserved in available vertebrate species. In addition, the in silico prediction for this alteration is inconclusive. Since supporting evidence is limited at this time, the clinical significance of this alteration remains unclear.

NM_002878.4(RAD51D):c.889A>C (p.Lys297Gln)

Genes: RAD51L3-RFFL (RAD51L3-RFFL readthrough; minus strand), RAD51D (RAD51 paralog D; minus strand). Cytogenetic location: 17q12.
Variant type: single nucleotide variant.
Coding change: c.889A>C on transcript NM_002878.4 (MANE Select); coding-DNA position 889, A replaced by C.
Protein change: p.Lys297Gln; replaces lysine 297 with glutamine.
Molecular consequence: missense variant. On other transcripts: non-coding transcript variant (3).
Genome position (GRCh38, 1-based): chr17:35,101,215, T>G on the plus strand (A>C on the coding strand, the complement: RAD51D is on the minus strand). VCF-style: chr17-35101215-T-G. GRCh37 (hg19) VCF-style: chr17-33428234-T-G.
Other names: c.949A>C, p.Lys317Gln (NM_001142571.2); c.553A>C, p.Lys185Gln (NM_133629.3); short protein forms K297Q, K185Q, K317Q.
Identifiers: ClinVar variation 480545 (VCV000480545.6), dbSNP rs1555567051, ClinGen allele CA399086316.